The following is an entry in ClinVar:

ClinVar aggregate classification (germline): Pathogenic/Likely pathogenic. Review status: criteria provided, multiple submitters, no conflicts (2 of 4 stars). 4 submissions from 4 submitters: Pathogenic (1); Likely pathogenic (3). Last evaluated 2024-04-30.

Conditions:
Familial hypokalemia-hypomagnesemia (GTLMNS). Also called: gitelman syndrome; HYPOMAGNESEMIA-HYPOKALEMIA, PRIMARY RENOTUBULAR, WITH HYPOCALCIURIA; POTASSIUM AND MAGNESIUM DEPLETION. Identifiers: Orphanet 358, MedGen C0268450, MONDO:0009904, OMIM 263800.

Submissions (4):

Natera, Inc.
Classification: Likely pathogenic for Gitelman syndrome. Last evaluated: 2024-04-30. Review status: criteria provided, single submitter. Criteria: Natera Variant Classification Schema (03/2026). Collection method: clinical testing. Allele origin: germline.
Comment: The c.547_548dupTC variant in SLC12A3 is a frameshift variant predicted to shift the reading frame beginning at codon 184 and leads to a stop codon 119 codons downstream. This variant is expected to result in nonsense mediated decay, truncation, or a dysfunctional protein product. This variant is rare in the general population with a frequency below the threshold expected for the associated phenotype(s). Given the available evidence, this variant is classified as Likely Pathogenic.

Fulgent Genetics
Classification: Likely pathogenic for Familial hypokalemia-hypomagnesemia. Last evaluated: 2024-04-11. Review status: criteria provided, single submitter. Criteria: ACMG Guidelines, 2015. Collection method: clinical testing. Allele origin: germline.

Labcorp Genetics (formerly Invitae), Labcorp
Classification: Pathogenic. Last evaluated: 2022-10-12. Review status: criteria provided, single submitter. Criteria: Invitae Variant Classification Sherloc (09022015). Collection method: clinical testing. Allele origin: germline.
Comment: This sequence change creates a premature translational stop signal (p.Ile184Profs*119) in the SLC12A3 gene. It is expected to result in an absent or disrupted protein product. Loss-of-function variants in SLC12A3 are known to be pathogenic (PMID: 20848653, 22009145, 25841442). This variant is present in population databases (rs770513014, gnomAD 0.02%). This variant has not been reported in the literature in individuals affected with SLC12A3-related conditions. ClinVar contains an entry for this variant (Variation ID: 817650). Algorithms developed to predict the effect of sequence changes on RNA splicing suggest that this variant may create or strengthen a splice site. For these reasons, this variant has been classified as Pathogenic.

GeneDx
Classification: Likely pathogenic. Last evaluated: 2021-01-26. Review status: criteria provided, single submitter. Criteria: GeneDx Variant Classification Process June 2021. Collection method: clinical testing. Allele origin: germline. Affected: yes.
Comment: Frameshift variant predicted to result in protein truncation or nonsense mediated decay in a gene for which loss-of-function is a known mechanism of disease; Has not been previously published as pathogenic or benign to our knowledge

Literature cited by the submitters: PubMed 20848653 (cited by Labcorp Genetics (formerly Invitae), Labcorp); PubMed 22009145 (cited by Labcorp Genetics (formerly Invitae), Labcorp); PubMed 25841442 (cited by Labcorp Genetics (formerly Invitae), Labcorp).

NM_001126108.2(SLC12A3):c.547_548dup (p.Ile184fs)

Gene: SLC12A3 (solute carrier family 12 member 3; plus strand). Cytogenetic location: 16q13.
Variant type: Duplication.
Coding change: c.547_548dup on transcript NM_001126108.2 (MANE Select); coding-DNA positions 547 to 548, 2 bases duplicated (TC; older notation c.547_548dupTC).
Protein change: p.Ile184fs; shifts the reading frame from isoleucine 184.
Molecular consequence: frameshift variant.
Genome position (GRCh38, 1-based): chr16:56,869,770-56,869,771, TC duplicated; duplicating any 2 consecutive bases within chr16:56,869,769-56,869,771 gives the same sequence; the c. name uses the placement nearest the transcript's 3' end. VCF-style (leftmost placement, unchanged base first): chr16-56869768-C-CCT. GRCh37 (hg19) VCF-style: chr16-56903680-C-CCT.
Other names: c.547_548dup, p.Ile184fs (NM_000339.3); c.544_545dup, p.Ile183fs (NM_001126107.2); c.547_548dupTC (NM_000339.2); short protein forms I184fs, I183fs.
Identifiers: ClinVar variation 817650 (VCV000817650.10), dbSNP rs770513014, ClinGen allele CA8069095.